The following is an entry in ClinVar:

ClinVar aggregate classification (germline): Pathogenic/Likely pathogenic. Review status: criteria provided, multiple submitters, no conflicts (2 of 4 stars). 2 submissions from 2 submitters: Pathogenic (1); Likely pathogenic (1). Last evaluated 2025-08-05.

Conditions:
Polycystic kidney disease, adult type (PKD1). Also called: Polycystic Kidney Disease 1, Autosomal Dominant; Polycystic kidney disease 1; Polycystic kidney disease 1, severe; POLYCYSTIC KIDNEY DISEASE 1 WITH OR WITHOUT POLYCYSTIC LIVER DISEASE; Polycystic Kidney, Autosomal Dominant; POLYCYSTIC KIDNEY DISEASE, ADULT, TYPE I. Identifiers: MedGen C3149841, MONDO:0008263, OMIM 173900.

Submissions (2):

Clinical Genetics Laboratory, Skane University Hospital Lund
Classification: Pathogenic for Polycystic kidney disease, adult type. Last evaluated: 2025-08-05. Review status: criteria provided, single submitter. Criteria: ACMG Guidelines, 2015. Collection method: clinical testing. Allele origin: germline. Affected: yes.
Comment: ACMG criteria used: PVS1, PS4 supporting, PM2, PP1/PP4 strong.

Department of Genetics, Sultan Qaboos University Hospital
Classification: Likely pathogenic for Polycystic kidney disease, adult type. Last evaluated: 2024-06-12. Review status: criteria provided, single submitter. Criteria: ACMG Guidelines, 2015. Collection method: curation. Allele origin: unknown. Affected: yes.

NM_001009944.3(PKD1):c.8896G>T (p.Glu2966Ter)

Gene: PKD1 (polycystin 1, transient receptor potential channel interacting; minus strand). Cytogenetic location: 16p13.3.
Variant type: single nucleotide variant.
Coding change: c.8896G>T on transcript NM_001009944.3 (MANE Select); coding-DNA position 8896, G replaced by T.
Protein change: p.Glu2966Ter; replaces glutamic acid 2966 with a stop codon.
Molecular consequence: nonsense.
Genome position (GRCh38, 1-based): chr16:2,102,866, C>A on the plus strand (G>T on the coding strand, the complement: PKD1 is on the minus strand). VCF-style: chr16-2102866-C-A. GRCh37 (hg19) VCF-style: chr16-2152867-C-A.
Other names: c.8896G>T, p.Glu2966Ter (NM_000296.4); short protein forms E2966*.
Identifiers: ClinVar variation 623354 (VCV000623354.4), dbSNP rs773129632, ClinGen allele CA394361604.